The following is an entry in ClinVar:

ClinVar aggregate classification (germline): Uncertain significance (1 of 4 stars; one submission).

Submission:

Dasa
Classification: Uncertain significance. Last evaluated: 2026-01-15. Review status: criteria provided, single submitter. Criteria: DASA Assertion Criteria. Collection method: clinical testing. Allele origin: germline.
Comment: NM_170606.3(KMT2C):c.11861A>G (p.Gln3954Arg) is a missense variant that results in the substitution of glutamine with arginine. This variant is rare in population databases. The currently available literature and clinical evidence are not sufficient to establish a definitive association between this variant and the reported condition. Therefore, this variant is classified as a variant of uncertain significance.

NM_170606.3(KMT2C):c.11861A>G (p.Gln3954Arg)

Gene: KMT2C (lysine methyltransferase 2C; minus strand). Cytogenetic location: 7q36.1.
Variant type: single nucleotide variant.
Coding change: c.11861A>G on transcript NM_170606.3 (MANE Select); coding-DNA position 11861, A replaced by G.
Protein change: p.Gln3954Arg; replaces glutamine 3954 with arginine.
Molecular consequence: missense variant.
Genome position (GRCh38, 1-based): chr7:152,156,009, T>C on the plus strand (A>G on the coding strand, the complement: KMT2C is on the minus strand). VCF-style: chr7-152156009-T-C. GRCh37 (hg19) VCF-style: chr7-151853094-T-C.
Other names: short protein forms Q3954R.
Identifiers: ClinVar variation 4885046 (VCV004885046.2).